The following is an entry in ClinVar:

ClinVar aggregate classification (germline): Conflicting classifications of pathogenicity. Review status: criteria provided, conflicting classifications (1 of 4 stars). 3 submissions from 3 submitters: Likely pathogenic (1); Uncertain significance (1). 1 of the submissions does not count toward it. Last evaluated 2024-03-13.

Conditions:
Cardiovascular phenotype. Identifiers: MedGen CN230736.
Catecholaminergic polymorphic ventricular tachycardia (CVPT). Also called: Catecholamine-induced polymorphic ventricular tachycardia. Identifiers: Orphanet 3286, MedGen C5574922, MONDO:0017990.
Catecholaminergic polymorphic ventricular tachycardia 1. Also called: RYR2-Related Catecholaminergic Polymorphic Ventricular Tachycardia; VENTRICULAR TACHYCARDIA, CATECHOLAMINERGIC POLYMORPHIC, 1, WITH OR WITHOUT ATRIAL DYSFUNCTION AND/OR DILATED CARDIOMYOPATHY; VENTRICULAR TACHYCARDIA, STRESS-INDUCED POLYMORPHIC 1. Identifiers: Orphanet 3286, MedGen C1631597, MONDO:0011484, OMIM 604772.

Submissions (3):

Labcorp Genetics (formerly Invitae), Labcorp
Classification: Likely pathogenic for Catecholaminergic polymorphic ventricular tachycardia 1. Last evaluated: 2024-03-13. Review status: criteria provided, single submitter. Criteria: Invitae Variant Classification Sherloc (09022015). Collection method: clinical testing. Allele origin: germline.
Comment: This sequence change replaces methionine, which is neutral and non-polar, with isoleucine, which is neutral and non-polar, at codon 3739 of the RYR2 protein (p.Met3739Ile). This variant is not present in population databases (gnomAD no frequency). This missense change has been observed in individuals with catecholaminergic polymorphic ventricular tachycardia (PMID: 36578016; Invitae). ClinVar contains an entry for this variant (Variation ID: 518524). Advanced modeling of protein sequence and biophysical properties (such as structural, functional, and spatial information, amino acid conservation, physicochemical variation, residue mobility, and thermodynamic stability) performed at Invitae indicates that this missense variant is expected to disrupt RYR2 protein function with a positive predictive value of 95%. In summary, the currently available evidence indicates that the variant is pathogenic, but additional data are needed to prove that conclusively. Therefore, this variant has been classified as Likely Pathogenic.

Ambry Genetics
Classification: Uncertain significance for Cardiovascular phenotype. Last evaluated: 2016-05-25. Review status: criteria provided, single submitter. Criteria: Ambry Variant Classification Scheme 2023. Collection method: clinical testing. Allele origin: germline.
Comment: The p.M3739I variant (also known as c.11217G>A), located in coding exon 81 of the RYR2 gene, results from a G to A substitution at nucleotide position 11217. The methionine at codon 3739 is replaced by isoleucine, an amino acid with highly similar properties. This variant was not reported in population based cohorts in the following databases: Database of Single Nucleotide Polymorphisms (dbSNP), NHLBI Exome Sequencing Project (ESP), and 1000 Genomes Project. In the ESP, this variant was not observed in 6135 samples (12270 alleles) with coverage at this position. This amino acid position is highly conserved in available vertebrate species. In addition, this alteration is predicted to be deleterious by in silico analysis. Since supporting evidence is limited at this time, the clinical significance of this variant remains unclear.

Agnes Ginges Centre for Molecular Cardiology, Centenary Institute
Classification: Likely pathogenic for Catecholaminergic polymorphic ventricular tachycardia. Last evaluated: 2019-07-03. Review status: no assertion criteria provided. Collection method: research. Allele origin: germline. Inheritance: Autosomal dominant inheritance. Affected: yes. Not counted in ClinVar's aggregate classification.
Comment: This variant has been identified as part of our research program. For further information please feel free to contact us.

Literature cited by the submitters: PubMed 36578016 (cited by Labcorp Genetics (formerly Invitae), Labcorp).

NM_001035.3(RYR2):c.11217G>A (p.Met3739Ile)

Gene: RYR2 (ryanodine receptor 2; plus strand). Cytogenetic location: 1q43.
Variant type: single nucleotide variant.
Coding change: c.11217G>A on transcript NM_001035.3 (MANE Select); coding-DNA position 11217, G replaced by A.
Protein change: p.Met3739Ile; replaces methionine 3739 with isoleucine.
Molecular consequence: missense variant.
Genome position (GRCh38, 1-based): chr1:237,756,359, G>A. VCF-style: chr1-237756359-G-A. GRCh37 (hg19) VCF-style: chr1-237919659-G-A.
Other names: c.11217G>A, p.Met3739Ile (LRG_402t1); short protein forms M3739I.
Identifiers: ClinVar variation 518524 (VCV000518524.15), dbSNP rs397516502, ClinGen allele CA345425904.